The following is an entry in ClinVar:

NM_000384.3(APOB):c.10848del (p.Gly3617fs)

Gene: APOB (apolipoprotein B; minus strand). Cytogenetic location: 2p24.1.
Variant type: Deletion.
Coding change: c.10848del on transcript NM_000384.3 (MANE Select); coding-DNA position 10848, one base deleted (T; older notation c.10848delT).
Protein change: p.Gly3617fs; shifts the reading frame from glycine 3617.
Molecular consequence: frameshift variant.
Genome position (GRCh38, 1-based): chr2:21,006,020, A deleted on the plus strand (T on the coding strand, the reverse complement: APOB is on the minus strand); the first of 2 consecutive A bases (chr2:21,006,020-21,006,021); deleting either gives the same sequence. VCF-style (leftmost placement, unchanged base first): chr2-21006019-CA-C. GRCh37 (hg19) VCF-style: chr2-21228891-CA-C.
Other names: c.10848delT (NM_000384.3); c.10848del (NM_000384.2); short protein forms G3617fs.
Identifiers: ClinVar variation 495857 (VCV000495857.18), dbSNP rs982371659, ClinGen allele CA43494935.

ClinVar aggregate classification (germline): Pathogenic/Likely pathogenic. Review status: criteria provided, multiple submitters, no conflicts (2 of 4 stars). 7 submissions from 7 submitters: Pathogenic (5); Likely pathogenic (2). Last evaluated 2025-09-09.

Conditions:
APOB-related disorder. Also called: APOB-related condition; APOB-related disorders.
Familial hypobetalipoproteinemia 1. Also called: Hypobetalipoproteinemia, normotriglyceridemic; Acanthocytosis with hypobetalipoproteinemia; APOB-Related Familial Hypobetalipoproteinemia. Identifiers: MedGen C4551990, MONDO:0014252, OMIM 615558.
Hypercholesterolemia, autosomal dominant, type B (FHCL2). Also called: Familial Hypercholesterolemia Type B; APOLIPOPROTEIN B-100, FAMILIAL DEFECTIVE; APOLIPOPROTEIN B-100, FAMILIAL LIGAND-DEFECTIVE; Hyperlipoproteinemia Type IIb; Familial hypercholesterolemia 2; APOB-Related Familial Hypercholesterolemia, Autosomal Dominant. Identifiers: MedGen C1704417, MONDO:0007751, OMIM 144010.

Submissions (7):

Variantyx, Inc.
Classification: Likely pathogenic for Familial hypobetalipoproteinemia 1. Last evaluated: 2025-09-09. Review status: criteria provided, single submitter. Criteria: Variantyx Assertion Criteria 2022. Collection method: clinical testing. Allele origin: germline. Inheritance: Autosomal recessive inheritance. Affected: no.
Comment: This is a frameshift variant in the APOB gene (OMIM: 107730). Pathogenic variants in this gene have been associated with autosomal recessive familial hypobetalipoproteinemia 1. This variant introduces a premature termination codon in exon 26 out of 29 and is expected to result in loss of function, which is a known disease mechanism for APOB in this disorder (PMID: 12124991) (PVS1). This variant has a 0.0056% maximum allele frequency in non-founder control populations (PM2). Based on the current evidence, this variant is classified as likely pathogenic for autosomal recessive familial hypobetalipoproteinemia 1.

Women's Health and Genetics/Laboratory Corporation of America, LabCorp
Classification: Pathogenic for Familial hypobetalipoproteinemia 1. Last evaluated: 2025-01-22. Review status: criteria provided, single submitter. Criteria: LabCorp Variant Classification Summary - May 2015. Collection method: clinical testing. Allele origin: germline.
Comment: Variant summary: APOB c.10848delT (p.Gly3617AlafsX6) results in a premature termination codon, predicted to cause absence of the protein due to nonsense mediated decay, which is a commonly known mechanism for disease. The variant allele was found at a frequency of 8e-06 in 251010 control chromosomes (gnomAD). c.10848delT has been reported in the literature in individuals affected with Familial Hypobetalipoproteinemia 1 Dominant (e.g. Marmontel_2018). The following publication has been ascertained in the context of this evaluation (PMID: 29572815). ClinVar contains an entry for this variant (Variation ID: 495857). Based on the evidence outlined above, the variant was classified as pathogenic.

Quest Diagnostics Nichols Institute San Juan Capistrano
Classification: Pathogenic. Last evaluated: 2024-09-25. Review status: criteria provided, single submitter. Criteria: Quest Diagnostics criteria. Collection method: clinical testing. Allele origin: unknown.
Comment: The APOB c.10848del (p.Gly3617Alafs*6) variant alters the translational reading frame of the APOB mRNA and causes the premature termination of APOB protein synthesis. In the published literature, this variant has been reported in individuals with hypobetalipoproteinemia (PMIDs: 34340953 (2021), 33207932 (2021), 29572815 (2018)), which is a condition typically characterized by abnormally low plasma LDL-cholesterol levels and fatty liver disease. The frequency of this variant in the general population, 0.000023 (3/128852 chromosomes (Genome Aggregation Database)), is consistent with pathogenicity. Based on the available information, this variant is classified as pathogenic for hypobetalipoproteinemia. However, since hypobetalipoproteinemia has been shown to be associated with reduced cholesterol levels and decreased cardiovascular risk (PMIDs: 32039990 (2020), 30939045 (2019), 16002743 (2005)), and mitigated the presentation of hypercholesterolemia in one individual (PMID: 36003908 (2022)), the clinical significance of the c.10848del (p.Gly3617Alafs*6) variant in hypercholesterolemia is currently unclear.

Blueprint Genetics
Classification: Likely pathogenic for APOB-related disorders. Last evaluated: 2024-07-11. Review status: criteria provided, single submitter. Criteria: ACMG Guidelines, 2015. Collection method: clinical testing. Allele origin: germline. Affected: yes. Observed: 2 variant alleles.

Labcorp Genetics (formerly Invitae), Labcorp
Classification: Pathogenic for Familial hypobetalipoproteinemia 1; Hypercholesterolemia, autosomal dominant, type B. Last evaluated: 2023-07-13. Review status: criteria provided, single submitter. Criteria: Invitae Variant Classification Sherloc (09022015). Collection method: clinical testing. Allele origin: germline.
Comment: For these reasons, this variant has been classified as Pathogenic. ClinVar contains an entry for this variant (Variation ID: 495857). This premature translational stop signal has been observed in individual(s) with familial hypobetalipoproteinemia (PMID: 29572815, 33207932). The frequency data for this variant in the population databases is considered unreliable, as metrics indicate poor data quality at this position in the gnomAD database. This sequence change creates a premature translational stop signal (p.Gly3617Alafs*6) in the APOB gene. It is expected to result in an absent or disrupted protein product. Loss-of-function variants in APOB are known to be pathogenic (PMID: 20032471).

Greenwood Genetic Center Diagnostic Laboratories, Greenwood Genetic Center
Classification: Pathogenic for Familial hypobetalipoproteinemia 1. Last evaluated: 2021-10-26. Review status: criteria provided, single submitter. Criteria: ACMG Guidelines, 2015. Collection method: clinical testing. Allele origin: germline. Affected: yes.
Comment: PVS1, PM2_Supporting, PS3_Moderate, PS4_Moderate

Genetic Services Laboratory, University of Chicago
Classification: Pathogenic. Last evaluated: 2019-03-27. Review status: criteria provided, single submitter. Criteria: ACMG Guidelines, 2015. Collection method: clinical testing. Allele origin: germline. Affected: yes.
Comment: DNA sequence analysis of the APOB gene demonstrated a single base pair deletion in exon 26, c.10848del. This pathogenic sequence change results in an amino acid frameshift and creates a premature stop codon 5 amino acids downstream of the mutation, p.Gly3617Alafs*6. This pathogenic sequence change is predicted to result in an abnormal transcript, which may be degraded, or may lead to the production of a truncated APOB protein with potentially abnormal function. This pathogenic sequence change has not been previously been described in patients with APOB-related disorders, however, truncating sequence changes are reported and are mainly associated with autosomal recessive hypobetalipoproteinemia (PMID: 24288038).

Literature cited by the submitters: PubMed 12124991 (cited by Variantyx, Inc.); PubMed 29572815 (cited by 3 submitters); PubMed 34340953 (cited by Quest Diagnostics Nichols Institute San Juan Capistrano); PubMed 33207932 (cited by Quest Diagnostics Nichols Institute San Juan Capistrano and Labcorp Genetics (formerly Invitae), Labcorp); PubMed 20032471 (cited by Labcorp Genetics (formerly Invitae), Labcorp).